The following is an entry in ClinVar:

NM_001080517.3(SETD5):c.4115C>T (p.Thr1372Ile)

Gene: SETD5 (SET domain containing 5; plus strand). Cytogenetic location: 3p25.3.
Variant type: single nucleotide variant.
Coding change: c.4115C>T on transcript NM_001080517.3 (MANE Select); coding-DNA position 4115, C replaced by T.
Protein change: p.Thr1372Ile; replaces threonine 1372 with isoleucine.
Molecular consequence: missense variant.
Genome position (GRCh38, 1-based): chr3:9,475,877, C>T. VCF-style: chr3-9475877-C-T. GRCh37 (hg19) VCF-style: chr3-9517561-C-T.
Other names: c.3821C>T, p.Thr1274Ile (NM_001292043.2, NM_001349451.2); short protein forms T1372I, T1274I.
Identifiers: ClinVar variation 436691 (VCV000436691.49), dbSNP rs62246321, ClinGen allele CA2239868.
Genomic context (GRCh38, chr3:9,475,877, plus strand): 5'-CCTCAGACTCGCCAACCTCAGATTCAGTTTCTCAGTCCAGCACAGGAACTCTGAGTTCCA[C>T]CTCCTTTCCTCAGAACTCTAGGTCGTCATTGCCATCAGACTTACGGACTATCAGTCTGCC-3'
Protein context (NP_001073986.1, residues 1362-1382): SQSSTGTLSS[Thr1372Ile]SFPQNSRSSL

ClinVar aggregate classification (germline): Benign/Likely benign. Review status: criteria provided, multiple submitters, no conflicts (2 of 4 stars). 6 submissions from 6 submitters: Benign (3); Likely benign (3). Last evaluated 2026-06-01.

Allele frequency attached by ClinVar (database versions not stated): gnomAD exomes 0.00055 and 0.00111; ExAC 0.00113; ESP Exome Variant Server 0.00228; TOPMed 0.00229; 1000 Genomes Project 30x 0.00234; gnomAD 0.00238 and 0.00247; 1000 Genomes Project 0.00260.
gnomAD v4.1: 1,245 of 1,614,058 alleles (0.077%); highest among the groups gnomAD compares: African/African-American, 0.75%; 6 homozygotes.

Submissions (6):

CeGaT Center for Human Genetics Tuebingen
Classification: Likely benign. Last evaluated: 2026-06-01. Review status: criteria provided, single submitter. Criteria: CeGaT Center For Human Genetics Tuebingen Variant Classification Criteria Version 2. Collection method: clinical testing. Allele origin: germline. Affected: yes. Observed: 14 variant alleles.
Comment: SETD5: BS1

Labcorp Genetics (formerly Invitae), Labcorp
Classification: Benign. Last evaluated: 2026-02-03. Review status: criteria provided, single submitter. Criteria: Invitae Variant Classification Sherloc (09022015). Collection method: clinical testing. Allele origin: germline.

Genomic Medicine Center of Excellence, King Faisal Specialist Hospital and Research Centre
Classification: Likely benign. Last evaluated: 2025-08-18. Review status: criteria provided, single submitter. Criteria: ACMG Guidelines, 2015. Collection method: clinical testing. Allele origin: germline.

Blueprint Genetics
Classification: Likely benign. Last evaluated: 2024-11-01. Review status: criteria provided, single submitter. Criteria: ACMG Guidelines, 2015. Collection method: clinical testing. Allele origin: germline.

GeneDx
Classification: Benign. Last evaluated: 2019-04-11. Review status: criteria provided, single submitter. Criteria: GeneDx Variant Classification Process June 2021. Collection method: clinical testing. Allele origin: germline. Affected: yes.

Genetic Services Laboratory, University of Chicago
Classification: Benign. Last evaluated: 2017-04-14. Review status: criteria provided, single submitter. Criteria: ACMG Guidelines, 2015. Collection method: clinical testing. Allele origin: germline. Affected: no.